The following is an entry in ClinVar:

ClinVar aggregate classification (germline): Uncertain significance. Review status: criteria provided, multiple submitters, no conflicts (2 of 4 stars). 3 submissions from 3 submitters: Uncertain significance (3). Last evaluated 2025-06-11.

Conditions:
Cardiovascular phenotype. Identifiers: MedGen CN230736.
Cutis laxa, autosomal recessive, type 1B (ARCL1B). Also called: EFEMP2-Related Cutis Laxa; CUTIS LAXA, AUTOSOMAL RECESSIVE, TYPE IB. Identifiers: Orphanet 90349, MedGen C3280798, MONDO:0013754, OMIM 614437. Disease mechanism: loss of function.

Submissions (3):

ARUP Laboratories, Molecular Genetics and Genomics, ARUP Laboratories
Classification: Uncertain significance for Cutis laxa, autosomal recessive, type 1B. Last evaluated: 2025-06-11. Review status: criteria provided, single submitter. Criteria: ARUP Molecular Germline Variant Investigation Process 2024. Collection method: clinical testing. Allele origin: germline.
Comment: The EFEMP2 c.608-5_608-4delinsAG variant, to our knowledge, is not reported in the medical literature but is reported in ClinVar (Variation ID: 2046645). This variant is absent from the Genome Aggregation Database (v2.1.1), indicating it is not a common polymorphism. This is an intronic variant and computational analyses (Alamut Visual Plus v.1.12) predict that this variant may impact splicing by creating a novel cryptic acceptor splice site and weakening the nearby canonical acceptor splice site. Due to limited information, the clinical significance of this variant is uncertain at this time.

Ambry Genetics
Classification: Uncertain significance for Cardiovascular phenotype. Last evaluated: 2024-12-26. Review status: criteria provided, single submitter. Criteria: Ambry Variant Classification Scheme 2023. Collection method: clinical testing. Allele origin: germline.
Comment: The c.608-5_608-4delCCinsAG intronic variant, located in intron 5 of the EFEMP2 gene, results from a deletion of two nucleotides and the insertion of two nucleotides at positions c.608-5 to c.608-4. These nucleotide positions are not well conserved in available vertebrate species. In silico splice site analysis predicts that this alteration will result in the creation or strengthening of a novel splice acceptor site. Based on the available evidence, the clinical significance of this variant remains unclear.

Labcorp Genetics (formerly Invitae), Labcorp
Classification: Uncertain significance for Cutis laxa, autosomal recessive, type 1B. Last evaluated: 2022-05-22. Review status: criteria provided, single submitter. Criteria: Invitae Variant Classification Sherloc (09022015). Collection method: clinical testing. Allele origin: germline.
Comment: This sequence change falls in intron 6 of the EFEMP2 gene. It does not directly change the encoded amino acid sequence of the EFEMP2 protein. Information on the frequency of this variant in the gnomAD database is not available, as this variant may be reported differently in the database. This variant has not been reported in the literature in individuals affected with EFEMP2-related conditions. Experimental studies and prediction algorithms are not available or were not evaluated, and the effect of this variant on mRNA splicing is currently unknown. In summary, the available evidence is currently insufficient to determine the role of this variant in disease. Therefore, it has been classified as a Variant of Uncertain Significance.

NM_016938.5(EFEMP2):c.608-5_608-4delinsAG

Gene: EFEMP2 (EGF-like fibulin extracellular matrix protein 2; minus strand). Cytogenetic location: 11q13.1.
Variant type: Indel.
Coding change: c.608-5_608-4delinsAG on transcript NM_016938.5 (MANE Select); 5 bases into the intron before coding-DNA position 608 through 4 bases into the intron before coding-DNA position 608, CC replaced by AG.
Molecular consequence: intron variant.
Genome position (GRCh38, 1-based): chr11:65,869,980-65,869,981, GG replaced by CT on the plus strand (CC replaced by AG on the coding strand, the reverse complement: EFEMP2 is on the minus strand). VCF-style: chr11-65869980-GG-CT. GRCh37 (hg19) VCF-style: chr11-65637451-GG-CT.
Other names: c.608-5_608-4delCCinsAG (NM_016938.4).
Identifiers: ClinVar variation 2046645 (VCV002046645.3), dbSNP rs2495577387, ClinGen allele CA2580084517.